The following is an entry in ClinVar:

ClinVar aggregate classification (germline): Uncertain significance (1 of 4 stars; one submission).

Conditions:
Intellectual developmental disorder, X-linked, syndromic, Raymond type. Also called: Syndromic X-linked intellectual disability Raymond type. Identifiers: MedGen C3275406, MONDO:0010427, OMIM 300799.

Allele frequency attached by ClinVar (database versions not stated): gnomAD 0.00001; TOPMed below 0.00001.
gnomAD v4.1: 1 of 1,190,726 alleles (0.000084%); highest among the groups gnomAD compares: Non-Finnish European, 0.00011%; no homozygotes.

Submission:

Labcorp Genetics (formerly Invitae), Labcorp
Classification: Uncertain significance for Intellectual developmental disorder, X-linked, syndromic, Raymond type. Last evaluated: 2025-01-20. Review status: criteria provided, single submitter. Criteria: Invitae Variant Classification Sherloc (09022015). Collection method: clinical testing. Allele origin: germline.
Comment: This sequence change replaces isoleucine, which is neutral and non-polar, with valine, which is neutral and non-polar, at codon 260 of the ZDHHC9 protein (p.Ile260Val). This variant is not present in population databases (gnomAD no frequency). This variant has not been reported in the literature in individuals affected with ZDHHC9-related conditions. ClinVar contains an entry for this variant (Variation ID: 1493020). An algorithm developed to predict the effect of missense changes on protein structure and function (PolyPhen-2) suggests that this variant is likely to be disruptive. In summary, the available evidence is currently insufficient to determine the role of this variant in disease. Therefore, it has been classified as a Variant of Uncertain Significance.

NM_016032.4(ZDHHC9):c.778A>G (p.Ile260Val)

Gene: ZDHHC9 (zDHHC palmitoyltransferase 9; minus strand). Cytogenetic location: Xq26.1.
Variant type: single nucleotide variant.
Coding change: c.778A>G on transcript NM_016032.4 (MANE Select); coding-DNA position 778, A replaced by G.
Protein change: p.Ile260Val; replaces isoleucine 260 with valine.
Molecular consequence: missense variant.
Genome position (GRCh38, 1-based): chrX:129,811,509, T>C on the plus strand (A>G on the coding strand, the complement: ZDHHC9 is on the minus strand). VCF-style: chrX-129811509-T-C. GRCh37 (hg19) VCF-style: chrX-128945485-T-C.
Other names: c.778A>G, p.Ile260Val (NM_001008222.3); short protein forms I260V.
Identifiers: ClinVar variation 1493020 (VCV001493020.8), dbSNP rs1927640133, ClinGen allele CA414582996.